The following is an entry in ClinVar:

NM_173086.5(KRT6C):c.183_184insCTTA (p.Tyr62fs)

Gene: KRT6C (keratin 6C; minus strand). Cytogenetic location: 12q13.13.
Variant type: Insertion.
Coding change: c.183_184insCTTA on transcript NM_173086.5 (MANE Select); coding-DNA positions 183 to 184, CTTA inserted.
Protein change: p.Tyr62fs; shifts the reading frame from tyrosine 62.
Molecular consequence: frameshift variant.
Genome position: GRCh38 VCF-style: chr12-52473554-A-ATAAG. GRCh37 (hg19) VCF-style: chr12-52867338-A-ATAAG.
Other names: short protein forms Y62fs.
Identifiers: ClinVar variation 1675497 (VCV001675497.33), dbSNP rs771000394, ClinGen allele CA2573148926.

ClinVar aggregate classification (germline): Uncertain significance (1 of 4 stars; one submission).

Submission:

CeGaT Center for Human Genetics Tuebingen
Classification: Uncertain significance. Last evaluated: 2022-03-01. Review status: criteria provided, single submitter. Criteria: CeGaT Center For Human Genetics Tuebingen Variant Classification Criteria Version 2. Collection method: clinical testing. Allele origin: germline. Affected: yes. Observed: 1 variant allele.
Comment: KRT6C: PM2